The following is an entry in ClinVar:

ClinVar aggregate classification (germline): Likely benign (1 of 4 stars; one submission).

Conditions:
POLD1-related polyposis and colorectal cancer syndrome (CRCS10). Also called: Colorectal cancer 10; COLORECTAL CANCER, SUSCEPTIBILITY TO, ON CHROMOSOME 19q; Colorectal cancer, susceptibility to, 10. Identifiers: Orphanet 220460, MedGen C2675481, MONDO:0012953, OMIM 612591.

Submission:

Myriad Genetics, Inc.
Classification: Likely benign for POLD1-related polyposis and colorectal cancer syndrome. Last evaluated: 2025-02-06. Review status: criteria provided, single submitter. Criteria: Myriad Autosomal Dominant, Autosomal Recessive and X-Linked Classification Criteria (2023). Collection method: clinical testing. Allele origin: unknown.
Comment: This variant is considered likely benign. This variant is intronic and is not expected to impact mRNA splicing.

NM_002691.4(POLD1):c.1384-18G>C

Gene: POLD1 (DNA polymerase delta 1, catalytic subunit; plus strand). Cytogenetic location: 19q13.33.
Variant type: single nucleotide variant.
Coding change: c.1384-18G>C on transcript NM_002691.4 (MANE Select); 18 bases into the intron before coding-DNA position 1384, G replaced by C.
Molecular consequence: intron variant.
Genome position (GRCh38, 1-based): chr19:50,406,389, G>C. VCF-style: chr19-50406389-G-C. GRCh37 (hg19) VCF-style: chr19-50909646-G-C.
Other names: c.1384-18G>C (NM_001256849.1, NM_001308632.1).
Identifiers: ClinVar variation 3904399 (VCV003904399.1).